The following is an entry in ClinVar:

NM_213653.4(HJV):c.265T>C (p.Cys89Arg)

Gene: HJV (hemojuvelin BMP co-receptor; minus strand). Cytogenetic location: 1q21.1.
Variant type: single nucleotide variant.
Coding change: c.265T>C on transcript NM_213653.4 (MANE Select); coding-DNA position 265, T replaced by C.
Protein change: p.Cys89Arg; replaces cysteine 89 with arginine.
Molecular consequence: missense variant. On other transcripts: 5 prime UTR variant (1), intron variant (3).
Genome position (GRCh38, 1-based): chr1:146,019,567, A>G on the plus strand (T>C on the coding strand, the complement: HJV is on the minus strand). VCF-style: chr1-146019567-A-G. GRCh37 (hg19) VCF-style: chr1-145415446-T-C.
Other names: c.265T>C, p.Cys89Arg (NM_001379352.1); c.-75T>C (NM_145277.5); c.-21-867T>C (NM_213652.4); c.-22+131T>C (NM_202004.4, NM_001316767.2); short protein forms C89R.
Identifiers: ClinVar variation 2733976 (VCV002733976.4), dbSNP rs1559280338, ClinGen allele CA342142909.

ClinVar aggregate classification (germline): Likely pathogenic. Review status: criteria provided, multiple submitters, no conflicts (2 of 4 stars). 2 submissions from 2 submitters: Likely pathogenic (2). Last evaluated 2025-05-13.

Conditions:
Hemochromatosis type 2A (HFE2A). Also called: Adult-Onset Hemochromatosis; HJV (HFE2)-Related Juvenile Hemochromatosis. Identifiers: Orphanet 79230, MedGen C1865614, MONDO:0011216, OMIM 602390.

Allele frequency attached by ClinVar (database versions not stated): gnomAD exomes below 0.00001.

Submissions (2):

Women's Health and Genetics/Laboratory Corporation of America, LabCorp
Classification: Likely pathogenic for Hemochromatosis type 2A. Last evaluated: 2025-05-13. Review status: criteria provided, single submitter. Criteria: LabCorp Variant Classification Summary - May 2015. Collection method: clinical testing. Allele origin: germline.
Comment: Variant summary: HJV c.265T>C (p.Cys89Arg) results in a non-conservative amino acid change in the encoded protein sequence. Algorithms developed to predict the effect of missense changes on protein structure and function are either unavailable or do not agree on the potential impact of this missense change. The variant allele was found at a frequency of 4.1e-06 in 243624 control chromosomes (gnomAD). c.265T>C has been observed in individual(s) affected with Hemochromatosis Type 2A (Malekzadeh_2014). These data indicate that the variant is likely to be associated with disease. To our knowledge, no experimental evidence demonstrating an impact on protein function has been reported. The following publications have been ascertained in the context of this evaluation (PMID: 24872867, 34828384). ClinVar contains an entry for this variant (Variation ID: 2733976). Based on the evidence outlined above, the variant was classified as likely pathogenic.

Labcorp Genetics (formerly Invitae), Labcorp
Classification: Likely pathogenic. Last evaluated: 2023-09-21. Review status: criteria provided, single submitter. Criteria: Invitae Variant Classification Sherloc (09022015). Collection method: clinical testing. Allele origin: germline.
Comment: This sequence change replaces cysteine, which is neutral and slightly polar, with arginine, which is basic and polar, at codon 89 of the HJV protein (p.Cys89Arg). In summary, the currently available evidence indicates that the variant is pathogenic, but additional data are needed to prove that conclusively. Therefore, this variant has been classified as Likely Pathogenic. An algorithm developed to predict the effect of missense changes on protein structure and function (PolyPhen-2) suggests that this variant is likely to be disruptive. This missense change has been observed in individual(s) with juvenile hemochromatosis (PMID: 24872867, 34828384). In at least one individual the data is consistent with being in trans (on the opposite chromosome) from a pathogenic variant. It has also been observed to segregate with disease in related individuals. This variant is not present in population databases (gnomAD no frequency).

Literature cited by the submitters: PubMed 34828384 (cited by Women's Health and Genetics/Laboratory Corporation of America, LabCorp and Labcorp Genetics (formerly Invitae), Labcorp); PubMed 24872867 (cited by Women's Health and Genetics/Laboratory Corporation of America, LabCorp and Labcorp Genetics (formerly Invitae), Labcorp).